The following is an entry in ClinVar:

ClinVar aggregate classification (germline): Uncertain significance. Review status: criteria provided, multiple submitters, no conflicts (2 of 4 stars). 2 submissions from 2 submitters: Uncertain significance (2). Last evaluated 2025-11-24.

Conditions:
Charcot-Marie-Tooth disease type 4. Also called: Charcot-Marie-Tooth, Type 4; Charcot-Marie-Tooth disease, type IV. Identifiers: Orphanet 64749, MedGen C4082197, MONDO:0018995.
Inborn genetic diseases. Identifiers: MedGen C0950123, MeSH D030342.

Allele frequency attached by ClinVar (database versions not stated): gnomAD exomes 0.00002 and 0.00003; ExAC 0.00003; gnomAD 0.00008 and 0.00009; TOPMed 0.00010.
gnomAD v4.1: 44 of 1,604,626 alleles (0.0027%); highest among the groups gnomAD compares: African/African-American, 0.02%; no homozygotes.

Submissions (2):

Labcorp Genetics (formerly Invitae), Labcorp
Classification: Uncertain significance for Charcot-Marie-Tooth disease type 4. Last evaluated: 2025-11-24. Review status: criteria provided, single submitter. Criteria: Invitae Variant Classification Sherloc (09022015). Collection method: clinical testing. Allele origin: germline.
Comment: This sequence change replaces arginine, which is basic and polar, with tryptophan, which is neutral and slightly polar, at codon 1371 of the PRX protein (p.Arg1371Trp). This variant is present in population databases (rs753339248, gnomAD 0.03%). This variant has not been reported in the literature in individuals affected with PRX-related conditions. ClinVar contains an entry for this variant (Variation ID: 329248). Invitae Evidence Modeling of protein sequence and biophysical properties (such as structural, functional, and spatial information, amino acid conservation, physicochemical variation, residue mobility, and thermodynamic stability) indicates that this missense variant is not expected to disrupt PRX protein function with a negative predictive value of 80%. In summary, the available evidence is currently insufficient to determine the role of this variant in disease. Therefore, it has been classified as a Variant of Uncertain Significance.

Ambry Genetics
Classification: Uncertain significance for Inborn genetic diseases. Last evaluated: 2023-05-04. Review status: criteria provided, single submitter. Criteria: Ambry Variant Classification Scheme 2023. Collection method: clinical testing. Allele origin: germline.

NM_181882.3(PRX):c.4111C>T (p.Arg1371Trp)

Gene: PRX (periaxin; minus strand). Cytogenetic location: 19q13.2.
Variant type: single nucleotide variant.
Coding change: c.4111C>T on transcript NM_181882.3 (MANE Select); coding-DNA position 4111, C replaced by T.
Protein change: p.Arg1371Trp; replaces arginine 1371 with tryptophan.
Molecular consequence: missense variant. On other transcripts: 3 prime UTR variant (1).
Genome position (GRCh38, 1-based): chr19:40,394,241, G>A on the plus strand (C>T on the coding strand, the complement: PRX is on the minus strand). VCF-style: chr19-40394241-G-A. GRCh37 (hg19) VCF-style: chr19-40900148-G-A.
Other names: c.*4316C>T (NM_020956.2); short protein forms R1371W.
Identifiers: ClinVar variation 329248 (VCV000329248.10), dbSNP rs753339248, ClinGen allele CA9443696.